The following is an entry in ClinVar:

ClinVar aggregate classification (germline): Benign. Review status: criteria provided, multiple submitters, no conflicts (2 of 4 stars). 2 submissions from 2 submitters: Benign (2). Last evaluated 2018-01-12.

Conditions:
Peroxisome biogenesis disorder 7A (Zellweger). Also called: Peroxisome biogenesis disorder 7A. Identifiers: Orphanet 912, MedGen C3888385, MONDO:0013938, OMIM 614872.

Allele frequency attached by ClinVar (database versions not stated): gnomAD 0.10663 and 0.10796; 1000 Genomes Project 0.12260; TOPMed 0.12443; 1000 Genomes Project 30x 0.12570.

Submissions (2):

Illumina Laboratory Services, Illumina
Classification: Benign for Peroxisome biogenesis disorder 7A (Zellweger). Last evaluated: 2018-01-12. Review status: criteria provided, single submitter. Criteria: ICSL Variant Classification Criteria 13 December 2019. Collection method: clinical testing. Allele origin: germline.
Comment: This variant was observed in the ICSL laboratory as part of a predisposition screen in an ostensibly healthy population. It had not been previously curated by ICSL or reported in the Human Gene Mutation Database (HGMD: prior to June 1st, 2018), and was therefore a candidate for classification through an automated scoring system. Utilizing variant allele frequency, disease prevalence and penetrance estimates, and inheritance mode, an automated score was calculated to assess if this variant is too frequent to cause the disease. Based on the score and internal cut-off values, a variant classified as benign is not then subjected to further curation. The score for this variant resulted in a classification of benign for this disease.

Breakthrough Genomics
Classification: Benign. Review status: criteria provided, single submitter. Criteria: ACMG Guidelines, 2015. Collection method: not provided. Allele origin: germline. Inheritance: Autosomal recessive inheritance. Affected: yes.

NM_001127649.3(PEX26):c.*1669C>G

Gene: PEX26 (peroxisomal biogenesis factor 26; plus strand). Cytogenetic location: 22q11.21.
Variant type: single nucleotide variant.
Coding change: c.*1669C>G on transcript NM_001127649.3 (MANE Select); 1669 bases downstream of the stop codon, C replaced by G.
Molecular consequence: 3 prime UTR variant.
Genome position (GRCh38, 1-based): chr22:18,089,744, C>G. VCF-style: chr22-18089744-C-G. GRCh37 (hg19) VCF-style: chr22-18572510-C-G.
Other names: c.*1669C>G (NM_001199319.2, NM_017929.6).
Identifiers: ClinVar variation 340796 (VCV000340796.6), dbSNP rs112015789, ClinGen allele CA10645102.
Genomic context (GRCh38, chr22:18,089,744, plus strand): 5'-TTTTCTTTTGTTTTGTTTGTTTGTTTGTTTGTTTGTTTTTGAGATGGAGTCTCTGTCACC[C>G]AGGCTGGAGTGCAGTGGCGTGATCTCAGCTCACTGCAAGCTCCGCCTCCCGGGTTCATGC-3'